The following is an entry in ClinVar:

NM_004006.3(DMD):c.2077C>T (p.Gln693Ter)

Gene: DMD (dystrophin; minus strand). Cytogenetic location: Xp21.1.
Variant type: single nucleotide variant.
Coding change: c.2077C>T on transcript NM_004006.3 (MANE Select); coding-DNA position 2077, C replaced by T.
Protein change: p.Gln693Ter; replaces glutamine 693 with a stop codon.
Molecular consequence: nonsense.
Genome position (GRCh38, 1-based): chrX:32,545,250, G>A on the plus strand (C>T on the coding strand, the complement: DMD is on the minus strand). VCF-style: chrX-32545250-G-A. GRCh37 (hg19) VCF-style: chrX-32563367-G-A.
Other names: c.2053C>T, p.Gln685Ter (NM_000109.4); c.2065C>T, p.Gln689Ter (NM_004009.3); c.1708C>T, p.Gln570Ter (NM_004010.3); short protein forms Q693*, Q570*, Q685*, Q689*.
Identifiers: ClinVar variation 409942 (VCV000409942.47), dbSNP rs1060502661, ClinGen allele CA16616517.

ClinVar aggregate classification (germline): Pathogenic (1 of 4 stars; one submission).

Conditions:
Duchenne muscular dystrophy (DMD). Also called: MUSCULAR DYSTROPHY, PSEUDOHYPERTROPHIC PROGRESSIVE, DUCHENNE TYPE; Duchenne Muscular Dystrophy (DMD). Identifiers: Orphanet 98896, MedGen C0013264, MONDO:0010679, OMIM 310200.

Submission:

Labcorp Genetics (formerly Invitae), Labcorp
Classification: Pathogenic for Duchenne muscular dystrophy. Last evaluated: 2025-12-26. Review status: criteria provided, single submitter. Criteria: Invitae Variant Classification Sherloc (09022015). Collection method: clinical testing. Allele origin: germline.
Comment: This sequence change creates a premature translational stop signal (p.Gln693*) in the DMD gene. It is expected to result in an absent or disrupted protein product. Loss-of-function variants in DMD are known to be pathogenic (PMID: 16770791, 25007885). This variant is not present in population databases (gnomAD no frequency). This premature translational stop signal has been observed in individual(s) with Duchenne muscular dystrophy (PMID: 19937601). ClinVar contains an entry for this variant (Variation ID: 409942). For these reasons, this variant has been classified as Pathogenic.

Literature cited by the submitters: PubMed 16770791; PubMed 25007885; PubMed 19937601.